The following is an entry in ClinVar:

ClinVar aggregate classification (germline): Uncertain significance (1 of 4 stars; one submission).

Conditions:
Hypercholesterolemia, autosomal dominant, 3 (FHCL3). Also called: Familial Hypercholesterolemia, Autosomal Dominant, 3; PCSK9-Related Familial Hypercholesterolemia, Autosomal Dominant; Familial hypercholesterolemia 3. Identifiers: MedGen C1863551, MONDO:0011369, OMIM 603776.

Allele frequency attached by ClinVar (database versions not stated): gnomAD exomes 0.00001; TOPMed 0.00001.
gnomAD v4.1: 10 of 1,613,214 alleles (0.00062%); highest among the groups gnomAD compares: East Asian, 0.0022%; no homozygotes.

Submission:

All of Us Research Program, National Institutes of Health
Classification: Uncertain significance for Hypercholesterolemia, autosomal dominant, 3. Last evaluated: 2023-06-26. Review status: criteria provided, single submitter. Criteria: ACMG Guidelines, 2015. Collection method: clinical testing. Allele origin: germline. Inheritance: Autosomal dominant inheritance. Observed: 1 variant allele, 1 heterozygote.
Comment: This missense variant replaces arginine with glutamine at codon 680 of the PCSK9 protein. Computational prediction suggests that this variant may not impact protein structure and function (internally defined REVEL score threshold <= 0.5, PMID: 27666373). To our knowledge, functional studies have not been reported for this variant. This variant has been reported in an individual affected with familial hypercholesterolemia (PMID: 36261084). This variant has been identified in 1/248312 chromosomes in the general population by the Genome Aggregation Database (gnomAD). The available evidence is insufficient to determine the role of this variant in disease conclusively. Therefore, this variant is classified as a Variant of Uncertain Significance.

This study involves interpretation of variants in research participants for the purpose of population health screening. Participant phenotype was not available at the time of variant classification. Additional details can be found in publication PMID: 35346344, PMCID: PMC8962531

Literature cited by the submitters: PubMed 36261084.

NM_174936.4(PCSK9):c.2039G>A (p.Arg680Gln)

Gene: PCSK9 (proprotein convertase subtilisin/kexin type 9; plus strand). Cytogenetic location: 1p32.3.
Variant type: single nucleotide variant.
Coding change: c.2039G>A on transcript NM_174936.4 (MANE Select); coding-DNA position 2039, G replaced by A.
Protein change: p.Arg680Gln; replaces arginine 680 with glutamine.
Molecular consequence: missense variant. On other transcripts: non-coding transcript variant (8).
Genome position (GRCh38, 1-based): chr1:55,063,544, G>A. VCF-style: chr1-55063544-G-A. GRCh37 (hg19) VCF-style: chr1-55529217-G-A.
Other names: c.2162G>A, p.Arg721Gln (NM_001407240.1); c.2081G>A, p.Arg694Gln (NM_001407241.1); c.2042G>A, p.Arg681Gln (NM_001407242.1); c.1982G>A, p.Arg661Gln (NM_001407243.1); c.1865G>A, p.Arg622Gln (NM_001407244.1); c.1847G>A, p.Arg616Gln (NM_001407245.1); c.1664G>A, p.Arg555Gln (NM_001407246.1); c.1538G>A, p.Arg513Gln (NM_001407247.1); short protein forms R513Q, R555Q, R616Q, R622Q, R661Q, R680Q, R681Q, R694Q.
Identifiers: ClinVar variation 3072122 (VCV003072122.1), dbSNP rs1346795665, ClinGen allele CA340480886.